The following is an entry in ClinVar:

ClinVar aggregate classification (germline): Conflicting classifications of pathogenicity. Review status: criteria provided, conflicting classifications (1 of 4 stars). 2 submissions from 2 submitters: Uncertain significance (1); Likely benign (1). Last evaluated 2023-04-01.

Conditions:
Microcephaly, normal intelligence and immunodeficiency (NBS). Also called: Microcephaly with normal intelligence immunodeficiency and lymphoreticular malignancies; Nonsyndromal microcephaly autosomal recessive with normal intelligence; Seemanova syndrome 2; IMMUNODEFICIENCY, MICROCEPHALY, AND CHROMOSOMAL INSTABILITY; SEEMANOVA SYNDROME II; Immunodeficiency, microcephaly with normal intelligence. Identifiers: Orphanet 647, MedGen C0398791, MONDO:0009623, OMIM 251260.

Allele frequency attached by ClinVar (database versions not stated): 1000 Genomes Project 0.00100; 1000 Genomes Project 30x 0.00109; TOPMed 0.00424; gnomAD 0.00535 and 0.00547; gnomAD exomes 0.00558.
gnomAD v4.1: 1,266 of 233,240 alleles (0.54%); highest among the groups gnomAD compares: Non-Finnish European, 0.79%; 8 homozygotes.

Submissions (2):

CeGaT Center for Human Genetics Tuebingen
Classification: Likely benign. Last evaluated: 2023-04-01. Review status: criteria provided, single submitter. Criteria: CeGaT Center For Human Genetics Tuebingen Variant Classification Criteria Version 2. Collection method: clinical testing. Allele origin: germline. Affected: yes. Observed: 3 variant alleles.
Comment: NBN: BS2

Illumina Laboratory Services, Illumina
Classification: Uncertain significance for Microcephaly, normal intelligence and immunodeficiency. Last evaluated: 2018-01-13. Review status: criteria provided, single submitter. Criteria: ICSL Variant Classification Criteria 13 December 2019. Collection method: clinical testing. Allele origin: germline.

NM_002485.5(NBN):c.*987T>G

Gene: NBN (nibrin; minus strand). Cytogenetic location: 8q21.3.
Variant type: single nucleotide variant.
Coding change: c.*987T>G on transcript NM_002485.5 (MANE Select); 987 bases downstream of the stop codon, T replaced by G.
Molecular consequence: 3 prime UTR variant.
Genome position (GRCh38, 1-based): chr8:89,934,595, A>C on the plus strand (T>G on the coding strand, the complement: NBN is on the minus strand). VCF-style: chr8-89934595-A-C. GRCh37 (hg19) VCF-style: chr8-90946823-A-C.
Other names: c.*987T>G (NM_001024688.3).
Identifiers: ClinVar variation 363900 (VCV000363900.29), dbSNP rs78935210, ClinGen allele CA10628378.